The following is an entry in ClinVar:

NM_003242.6(TGFBR2):c.1678G>T (p.Asp560Tyr)

Gene: TGFBR2 (transforming growth factor beta receptor 2; plus strand). Cytogenetic location: 3p24.1.
Variant type: single nucleotide variant.
Coding change: c.1678G>T on transcript NM_003242.6 (MANE Select); coding-DNA position 1678, G replaced by T.
Protein change: p.Asp560Tyr; replaces aspartic acid 560 with tyrosine.
Molecular consequence: missense variant.
Genome position (GRCh38, 1-based): chr3:30,691,573, G>T. VCF-style: chr3-30691573-G-T. GRCh37 (hg19) VCF-style: chr3-30733065-G-T.
Other names: c.1753G>T, p.Asp585Tyr (NM_001024847.3); c.1861G>T, p.Asp621Tyr (NM_001407126.1); c.1786G>T, p.Asp596Tyr (NM_001407127.1); c.1705G>T, p.Asp569Tyr (NM_001407128.1); c.1681G>T, p.Asp561Tyr (NM_001407129.1); c.1675G>T, p.Asp559Tyr (NM_001407130.1); c.1573G>T, p.Asp525Tyr (NM_001407132.1, NM_001407133.1, NM_001407134.1 and 2 more transcripts); c.1393G>T, p.Asp465Tyr (NM_001407137.1); and 2 more; short protein forms D440Y, D561Y, D569Y, D270Y, D525Y, D596Y, D465Y, D559Y.
Identifiers: ClinVar variation 1777838 (VCV001777838.2), dbSNP rs2125455766, ClinGen allele CA351809813.
Genomic context (GRCh38, chr3:30,691,573, plus strand): 5'-GAGCTGGAGCATCTGGACAGGCTCTCGGGGAGGAGCTGCTCGGAGGAGAAGATTCCTGAA[G>T]ACGGCTCCCTAAACACTACCAAATAGCTCTTCTGGGGCAGGCTGGGCCATGTCCAAAGAG-3'
Protein context (NP_003233.4, residues 550-567): RSCSEEKIPE[Asp560Tyr]GSLNTTK

ClinVar aggregate classification (germline): Uncertain significance (1 of 4 stars; one submission).

Conditions:
Familial thoracic aortic aneurysm and aortic dissection (TAAD). Also called: Thoracic aortic aneurysms and dissections. Identifiers: Orphanet 91387, MedGen C4707243, MONDO:0019625.

Submission:

Ambry Genetics
Classification: Uncertain significance for Familial thoracic aortic aneurysm and aortic dissection. Last evaluated: 2018-11-14. Review status: criteria provided, single submitter. Criteria: Ambry Variant Classification Scheme 2023. Collection method: clinical testing. Allele origin: germline.
Comment: The p.D560Y variant (also known as c.1678G>T), located in coding exon 7 of the TGFBR2 gene, results from a G to T substitution at nucleotide position 1678. The aspartic acid at codon 560 is replaced by tyrosine, an amino acid with highly dissimilar properties. This amino acid position is highly conserved in available vertebrate species. In addition, the in silico prediction for this alteration is inconclusive. Since supporting evidence is limited at this time, the clinical significance of this alteration remains unclear.